The following is an entry in ClinVar:

ClinVar aggregate classification (germline): Uncertain significance (1 of 4 stars; one submission).

Submission:

Labcorp Genetics (formerly Invitae), Labcorp
Classification: Uncertain significance. Last evaluated: 2023-03-10. Review status: criteria provided, single submitter. Criteria: Invitae Variant Classification Sherloc (09022015). Collection method: clinical testing. Allele origin: germline.
Comment: This sequence change replaces histidine, which is basic and polar, with arginine, which is basic and polar, at codon 353 of the ERBIN protein (p.His353Arg). This variant is not present in population databases (gnomAD no frequency). This variant has not been reported in the literature in individuals affected with ERBIN-related conditions. ClinVar contains an entry for this variant (Variation ID: 1971778). An algorithm developed to predict the effect of missense changes on protein structure and function (PolyPhen-2) suggests that this variant is likely to be disruptive. In summary, the available evidence is currently insufficient to determine the role of this variant in disease. Therefore, it has been classified as a Variant of Uncertain Significance.

NM_001253697.2(ERBIN):c.1058A>G (p.His353Arg)

Gene: ERBIN (erbb2 interacting protein; plus strand). Cytogenetic location: 5q12.3.
Variant type: single nucleotide variant.
Coding change: c.1058A>G on transcript NM_001253697.2 (MANE Select); coding-DNA position 1058, A replaced by G.
Protein change: p.His353Arg; replaces histidine 353 with arginine.
Molecular consequence: missense variant.
Genome position (GRCh38, 1-based): chr5:66,026,339, A>G. VCF-style: chr5-66026339-A-G. GRCh37 (hg19) VCF-style: chr5-65322167-A-G.
Other names: c.1058A>G, p.His353Arg (NM_001006600.3, NM_001253698.2, NM_001253699.2 and 2 more transcripts); short protein forms H353R.
Identifiers: ClinVar variation 1971778 (VCV001971778.5), dbSNP rs2546722080, ClinGen allele CA359975551.